The following is an entry in ClinVar:

ClinVar aggregate classification (germline): Uncertain significance (1 of 4 stars; one submission).

Submission:

Labcorp Genetics (formerly Invitae), Labcorp
Classification: Uncertain significance. Last evaluated: 2025-06-12. Review status: criteria provided, single submitter. Criteria: Invitae Variant Classification Sherloc (09022015). Collection method: clinical testing. Allele origin: germline.
Comment: This variant, c.741_743del, results in the deletion of 1 amino acid(s) of the PSMA3 protein (p.Glu247del), but otherwise preserves the integrity of the reading frame. This variant is present in population databases (rs746631729, gnomAD 0.003%). This variant has not been reported in the literature in individuals affected with PSMA3-related conditions. Experimental studies and prediction algorithms are not available or were not evaluated, and the functional significance of this variant is currently unknown. In summary, the available evidence is currently insufficient to determine the role of this variant in disease. Therefore, it has been classified as a Variant of Uncertain Significance.

NM_002788.4(PSMA3):c.738AGA[1] (p.Glu247del)

Genes: PSMA3 (proteasome 20S subunit alpha 3; plus strand), PSMA3-AS1 (PSMA3 antisense RNA 1; minus strand). Cytogenetic location: 14q23.1.
Variant type: Microsatellite.
Coding change: c.738AGA[1] on transcript NM_002788.4 (MANE Select); one copy of the 3-base unit AGA starting at c.738; the reference has two copies in a row; one copy, 3 bases deleted.
Protein change: p.Glu247del; deletes glutamic acid 247.
Molecular consequence: inframe deletion. On other transcripts: non-coding transcript variant (1).
Genome position (GRCh38, 1-based): chr14:58,271,868-58,271,870, AGA deleted; deleting any 3 consecutive bases within chr14:58,271,863-58,271,870 gives the same sequence; the position shown is the placement nearest the transcript's 3' end. VCF-style (leftmost placement, unchanged base first): chr14-58271862-GGAA-G. GRCh37 (hg19) VCF-style: chr14-58738580-GGAA-G.
Other names: c.717AGA[1], p.Glu240del (NM_152132.3); short protein forms E240del, E247del.
Identifiers: ClinVar variation 2960349 (VCV002960349.3), dbSNP rs746631729, ClinGen allele CA7203932.